The following is an entry in ClinVar:

ClinVar aggregate classification (germline): Uncertain significance (1 of 4 stars; one submission).

gnomAD v4.1: 16 of 1,614,034 alleles (0.00099%); highest among the groups gnomAD compares: Middle Eastern, 0.017%; no homozygotes.

Submission:

Labcorp Genetics (formerly Invitae), Labcorp
Classification: Uncertain significance. Last evaluated: 2025-10-16. Review status: criteria provided, single submitter. Criteria: Invitae Variant Classification Sherloc (09022015). Collection method: clinical testing. Allele origin: germline.
Comment: This sequence change replaces arginine, which is basic and polar, with glutamine, which is neutral and polar, at codon 1370 of the POLR1A protein (p.Arg1370Gln). This variant is present in population databases (rs772119115, gnomAD 0.02%). This variant has not been reported in the literature in individuals affected with POLR1A-related conditions. Invitae Evidence Modeling of protein sequence and biophysical properties (such as structural, functional, and spatial information, amino acid conservation, physicochemical variation, residue mobility, and thermodynamic stability) indicates that this missense variant is not expected to disrupt POLR1A protein function with a negative predictive value of 80%. In summary, the available evidence is currently insufficient to determine the role of this variant in disease. Therefore, it has been classified as a Variant of Uncertain Significance.

NM_015425.6(POLR1A):c.4109G>A (p.Arg1370Gln)

Gene: POLR1A (RNA polymerase I subunit A; minus strand). Cytogenetic location: 2p11.2.
Variant type: single nucleotide variant.
Coding change: c.4109G>A on transcript NM_015425.6 (MANE Select); coding-DNA position 4109, G replaced by A.
Protein change: p.Arg1370Gln; replaces arginine 1370 with glutamine.
Molecular consequence: missense variant.
Genome position (GRCh38, 1-based): chr2:86,033,713, C>T on the plus strand (G>A on the coding strand, the complement: POLR1A is on the minus strand). VCF-style: chr2-86033713-C-T. GRCh37 (hg19) VCF-style: chr2-86260836-C-T.
Other names: short protein forms R1370Q.
Identifiers: ClinVar variation 4748507 (VCV004748507.1).